The following is an entry in ClinVar:

ClinVar aggregate classification (germline): Uncertain significance (1 of 4 stars; one submission).

Conditions:
Inborn genetic diseases. Identifiers: MedGen C0950123, MeSH D030342.

Allele frequency attached by ClinVar (database versions not stated): gnomAD exomes below 0.00001; gnomAD 0.00001.
gnomAD v4.1: 4 of 1,613,858 alleles (0.00025%); highest among the groups gnomAD compares: Non-Finnish European, 0.00034%; no homozygotes.

Submission:

Ambry Genetics
Classification: Uncertain significance for Inborn genetic diseases. Last evaluated: 2021-03-20. Review status: criteria provided, single submitter. Criteria: Ambry Variant Classification Scheme 2023. Collection method: clinical testing. Allele origin: germline.
Comment: The p.Y229C variant (also known as c.686A>G), located in coding exon 5 of the TFG gene, results from an A to G substitution at nucleotide position 686. The tyrosine at codon 229 is replaced by cysteine, an amino acid with highly dissimilar properties. This amino acid position is highly conserved in available vertebrate species. In addition, the in silico prediction for this alteration is inconclusive. Since supporting evidence is limited at this time, the clinical significance of this alteration remains unclear.

NM_006070.6(TFG):c.686A>G (p.Tyr229Cys)

Gene: TFG (trafficking from ER to golgi regulator; plus strand). Cytogenetic location: 3q12.2.
Variant type: single nucleotide variant.
Coding change: c.686A>G on transcript NM_006070.6 (MANE Select); coding-DNA position 686, A replaced by G.
Protein change: p.Tyr229Cys; replaces tyrosine 229 with cysteine.
Molecular consequence: missense variant.
Genome position (GRCh38, 1-based): chr3:100,736,681, A>G. VCF-style: chr3-100736681-A-G. GRCh37 (hg19) VCF-style: chr3-100455525-A-G.
Other names: c.686A>G, p.Tyr229Cys (NM_001007565.2, NM_001195478.2, NM_001195479.2); short protein forms Y229C.
Identifiers: ClinVar variation 1755871 (VCV001755871.2), dbSNP rs1211259109, ClinGen allele CA353847442.